The following is an entry in ClinVar:

NM_024422.6(DSC2):c.2451C>A (p.Asp817Glu)

Gene: DSC2 (desmocollin 2; minus strand). Cytogenetic location: 18q12.1.
Variant type: single nucleotide variant.
Coding change: c.2451C>A on transcript NM_024422.6 (MANE Select); coding-DNA position 2451, C replaced by A.
Protein change: p.Asp817Glu; replaces aspartic acid 817 with glutamic acid.
Molecular consequence: missense variant.
Genome position (GRCh38, 1-based): chr18:31,068,951, G>T on the plus strand (C>A on the coding strand, the complement: DSC2 is on the minus strand). VCF-style: chr18-31068951-G-T. GRCh37 (hg19) VCF-style: chr18-28648917-G-T.
Other names: c.2451C>A, p.Asp817Glu (NM_004949.5); short protein forms D817E.
Identifiers: ClinVar variation 1388797 (VCV001388797.6), dbSNP rs762214540, ClinGen allele CA402111248.

ClinVar aggregate classification (germline): Uncertain significance (1 of 4 stars; one submission).

Conditions:
Arrhythmogenic right ventricular dysplasia 11. Also called: Arrhythmogenic right ventricular dysplasia 11 with mild palmoplantar keratoderma and woolly hair; Arrhythmogenic Right Ventricular Dysplasia/Cardiomyopathy11; ARRHYTHMOGENIC RIGHT VENTRICULAR DYSPLASIA, FAMILIAL, 11. Identifiers: MedGen C1864850, MONDO:0012506, OMIM 610476.

Submission:

Labcorp Genetics (formerly Invitae), Labcorp
Classification: Uncertain significance for Arrhythmogenic right ventricular dysplasia 11. Last evaluated: 2021-10-23. Review status: criteria provided, single submitter. Criteria: Invitae Variant Classification Sherloc (09022015). Collection method: clinical testing. Allele origin: germline.
Comment: This variant has not been reported in the literature in individuals affected with DSC2-related conditions. This variant is not present in population databases (ExAC no frequency). This sequence change replaces aspartic acid with glutamic acid at codon 817 of the DSC2 protein (p.Asp817Glu). The aspartic acid residue is highly conserved and there is a small physicochemical difference between aspartic acid and glutamic acid. Algorithms developed to predict the effect of missense changes on protein structure and function output the following: SIFT: "Tolerated"; PolyPhen-2: "Benign"; Align-GVGD: "Class C0". The glutamic acid amino acid residue is found in multiple mammalian species, which suggests that this missense change does not adversely affect protein function. In summary, the available evidence is currently insufficient to determine the role of this variant in disease. Therefore, it has been classified as a Variant of Uncertain Significance.